The following is an entry in ClinVar:

NM_000124.4(ERCC6):c.1518del (p.Lys506fs)

Gene: ERCC6 (ERCC excision repair 6, chromatin remodeling factor; minus strand). Cytogenetic location: 10q11.23.
Variant type: Deletion.
Coding change: c.1518del on transcript NM_000124.4 (MANE Select); coding-DNA position 1518, one base deleted (G; older notation c.1518delG).
Protein change: p.Lys506fs; shifts the reading frame from lysine 506.
Molecular consequence: frameshift variant.
Genome position (GRCh38, 1-based): chr10:49,505,892, C deleted on the plus strand (G on the coding strand, the reverse complement: ERCC6 is on the minus strand). VCF-style (leftmost placement, unchanged base first): chr10-49505891-GC-G. GRCh37 (hg19) VCF-style: chr10-50713937-GC-G.
Other names: c.1518del, p.Lys506fs (NM_001346440.2); short protein forms K506fs.
Identifiers: ClinVar variation 190150 (VCV000190150.10), dbSNP rs786205168, ClinGen allele CA274692.

ClinVar aggregate classification (germline): Pathogenic/Likely pathogenic. Review status: criteria provided, multiple submitters, no conflicts (2 of 4 stars). 5 submissions from 5 submitters: Pathogenic (2); Likely pathogenic (2). 1 of the submissions does not count toward it. Last evaluated 2024-08-28.

Conditions:
DE SANCTIS-CACCHIONE SYNDROME. Identifiers: MedGen C0265201, MONDO:0010217, OMIM 278800.
Cerebrooculofacioskeletal syndrome 1 (COFS1). Also called: Cerebro-oculo-facio-skeletal syndrome 1. Identifiers: MedGen C0220722, MONDO:0008955, OMIM 214150.
Cockayne syndrome type 2 (CSB). Also called: COCKAYNE SYNDROME B; Cockayne Syndrome, Type II. Identifiers: Orphanet 191, Orphanet 90322, MedGen C0751038, MONDO:0019570, OMIM 133540.
UV-sensitive syndrome 1 (UVSS1). Identifiers: Orphanet 178338, MedGen C3551173, MONDO:0010909, OMIM 600630.
Age related macular degeneration 5. Identifiers: MedGen C3151063, MONDO:0013409, OMIM 613761.
Premature ovarian failure 11 (POF11). Identifiers: MedGen C4310783, MONDO:0014843, OMIM 616946.
Lung cancer. Also called: Lung cancer, somatic; Malignant tumor of lung. Identifiers: MedGen C0242379, MONDO:0008903, OMIM 211980.

Allele frequency attached by ClinVar (database versions not stated): gnomAD exomes below 0.00001; TOPMed 0.00001.

Submissions (5):

Labcorp Genetics (formerly Invitae), Labcorp
Classification: Pathogenic. Last evaluated: 2024-08-28. Review status: criteria provided, single submitter. Criteria: Invitae Variant Classification Sherloc (09022015). Collection method: clinical testing. Allele origin: germline.
Comment: This sequence change creates a premature translational stop signal (p.Lys506Asnfs*37) in the ERCC6 gene. It is expected to result in an absent or disrupted protein product. Loss-of-function variants in ERCC6 are known to be pathogenic (PMID: 18628313, 29572252). This variant is not present in population databases (gnomAD no frequency). This premature translational stop signal has been observed in individual(s) with clinical features of Cockayne syndrome (PMID: 9443879, 29572252). ClinVar contains an entry for this variant (Variation ID: 190150). For these reasons, this variant has been classified as Pathogenic.

Fulgent Genetics
Classification: Likely pathogenic for Cockayne syndrome type 2; Lung cancer; Cerebrooculofacioskeletal syndrome 1; DE SANCTIS-CACCHIONE SYNDROME; UV-sensitive syndrome 1; Age related macular degeneration 5; Premature ovarian failure 11. Last evaluated: 2024-02-29. Review status: criteria provided, single submitter. Criteria: ACMG Guidelines, 2015. Collection method: clinical testing. Allele origin: germline.

Baylor Genetics
Classification: Pathogenic for Cockayne syndrome type 2. Last evaluated: 2017-09-01. Review status: criteria provided, single submitter. Criteria: ACMG Guidelines, 2015. Collection method: clinical testing. Allele origin: inherited. Inheritance: Autosomal recessive inheritance.

Claritas Genomics
Classification: Likely pathogenic for Cockayne syndrome, type B. Last evaluated: 2013-08-26. Review status: criteria provided, single submitter. Criteria: ACMG Guidelines, 2007. Collection method: clinical testing. Allele origin: germline. Inheritance: Autosomal recessive inheritance.

OMIM
Classification: Pathogenic for COCKAYNE SYNDROME B. Last evaluated: 1998-01-01. Review status: no assertion criteria provided. Collection method: literature only. Allele origin: germline. Not counted in ClinVar's aggregate classification.

Literature cited by the submitters: PubMed 18628313 (cited by Labcorp Genetics (formerly Invitae), Labcorp); PubMed 29572252 (cited by Labcorp Genetics (formerly Invitae), Labcorp); PubMed 9443879 (cited by 3 submitters); PubMed 25326635 (cited by Baylor Genetics); Hamosh, A. Personal Communication. 2016. Baltimore, Md. (cited by OMIM).